The following is an entry in ClinVar:

NM_000551.4(VHL):c.542T>C (p.Val181Ala)

Genes: VHL (von Hippel-Lindau tumor suppressor; plus strand), LOC107303340 (3p25 von Hippel-Lindau tumor suppressor, E3 ubiquitin protein ligase Alu-mediated recombination region; plus strand). Cytogenetic location: 3p25.3.
Variant type: single nucleotide variant.
Coding change: c.542T>C on transcript NM_000551.4 (MANE Select); coding-DNA position 542, T replaced by C.
Protein change: p.Val181Ala; replaces valine 181 with alanine.
Molecular consequence: missense variant. On other transcripts: 3 prime UTR variant (1).
Genome position (GRCh38, 1-based): chr3:10,149,865, T>C. VCF-style: chr3-10149865-T-C. GRCh37 (hg19) VCF-style: chr3-10191549-T-C.
Other names: c.*96T>C (NM_001354723.2); c.419T>C, p.Val140Ala (NM_198156.3); short protein forms V181A, V140A.
Identifiers: ClinVar variation 526690 (VCV000526690.10), dbSNP rs1553620340, ClinGen allele CA351756307.

ClinVar aggregate classification (germline): Conflicting classifications of pathogenicity. Review status: criteria provided, conflicting classifications (1 of 4 stars). 2 submissions from 2 submitters: Uncertain significance (1); Likely benign (1). Last evaluated 2026-04-02.

Conditions:
Von Hippel-Lindau syndrome (VHLS). Also called: VHL syndrome; von Hippel–Lindau syndrome; Von Hippel-Lindau. Identifiers: Orphanet 892, MedGen C0019562, MONDO:0008667, OMIM 193300. Disease mechanism: loss of function.
Chuvash polycythemia. Also called: POLYCYTHEMIA, VHL-DEPENDENT. Identifiers: Orphanet 238557, MedGen C1837915, MONDO:0009892, OMIM 263400.
Hereditary cancer-predisposing syndrome. Also called: Tumor predisposition; Hereditary neoplastic syndrome; Neoplastic Syndromes, Hereditary; Hereditary Cancer Syndrome. Identifiers: Orphanet 140162, MedGen C0027672, MeSH D009386, MONDO:0015356.

Allele frequency attached by ClinVar (database versions not stated): gnomAD exomes below 0.00001.

Submissions (2):

Ambry Genetics
Classification: Likely benign for Hereditary cancer-predisposing syndrome. Last evaluated: 2026-04-02. Review status: criteria provided, single submitter. Criteria: Ambry Variant Classification Scheme 2023. Collection method: clinical testing. Allele origin: germline.

Labcorp Genetics (formerly Invitae), Labcorp
Classification: Uncertain significance for Von Hippel-Lindau syndrome; Chuvash polycythemia. Last evaluated: 2017-12-06. Review status: criteria provided, single submitter. Criteria: Invitae Variant Classification Sherloc (09022015). Collection method: clinical testing. Allele origin: germline.
Comment: This sequence change replaces valine with alanine at codon 181 of the VHL protein (p.Val181Ala). The valine residue is moderately conserved and there is a small physicochemical difference between valine and alanine. In summary, the available evidence is currently insufficient to determine the role of this variant in disease. Therefore, it has been classified as a Variant of Uncertain Significance. Algorithms developed to predict the effect of missense changes on protein structure and function output the following: SIFT: "Tolerated"; PolyPhen-2: "Benign"; Align-GVGD: "Class C0". The alanine amino acid residue is found in multiple mammalian species, suggesting that this missense change does not adversely affect protein function. These predictions have not been confirmed by published functional studies and their clinical significance is uncertain. This variant has not been reported in the literature in individuals with VHL-related disease. This variant is not present in population databases (ExAC no frequency).